The following is an entry in ClinVar:

NM_006019.4(TCIRG1):c.1892T>C (p.Val631Ala)

Gene: TCIRG1 (T cell immune regulator 1, ATPase H+ transporting V0 subunit a3; plus strand). Cytogenetic location: 11q13.2.
Variant type: single nucleotide variant.
Coding change: c.1892T>C on transcript NM_006019.4 (MANE Select); coding-DNA position 1892, T replaced by C.
Protein change: p.Val631Ala; replaces valine 631 with alanine.
Molecular consequence: missense variant.
Genome position (GRCh38, 1-based): chr11:68,049,667, T>C. VCF-style: chr11-68049667-T-C. GRCh37 (hg19) VCF-style: chr11-67817134-T-C.
Other names: c.998T>C, p.Val333Ala (NM_001351059.2); c.1244T>C, p.Val415Ala (NM_006053.4); short protein forms V333A, V415A, V631A.
Identifiers: ClinVar variation 2474174 (VCV002474174.4), dbSNP rs773093690, ClinGen allele CA6147316.

ClinVar aggregate classification (germline): Uncertain significance. Review status: criteria provided, multiple submitters, no conflicts (2 of 4 stars). 2 submissions from 2 submitters: Uncertain significance (2). Last evaluated 2024-08-12.

Conditions:
Inborn genetic diseases. Identifiers: MedGen C0950123, MeSH D030342.

Allele frequency attached by ClinVar (database versions not stated): TOPMed below 0.00001; gnomAD exomes 0.00001; ExAC 0.00003.
gnomAD v4.1: 12 of 1,600,430 alleles (0.00075%); highest among the groups gnomAD compares: Non-Finnish European, 0.001%; no homozygotes.

Submissions (2):

Labcorp Genetics (formerly Invitae), Labcorp
Classification: Uncertain significance. Last evaluated: 2024-08-12. Review status: criteria provided, single submitter. Criteria: Invitae Variant Classification Sherloc (09022015). Collection method: clinical testing. Allele origin: germline.
Comment: This sequence change replaces valine, which is neutral and non-polar, with alanine, which is neutral and non-polar, at codon 631 of the TCIRG1 protein (p.Val631Ala). This variant is present in population databases (rs773093690, gnomAD 0.004%). This variant has not been reported in the literature in individuals affected with TCIRG1-related conditions. ClinVar contains an entry for this variant (Variation ID: 2474174). Advanced modeling of protein sequence and biophysical properties (such as structural, functional, and spatial information, amino acid conservation, physicochemical variation, residue mobility, and thermodynamic stability) performed at Invitae indicates that this missense variant is not expected to disrupt TCIRG1 protein function with a negative predictive value of 80%. In summary, the available evidence is currently insufficient to determine the role of this variant in disease. Therefore, it has been classified as a Variant of Uncertain Significance.

Ambry Genetics
Classification: Uncertain significance for Inborn genetic diseases. Last evaluated: 2023-01-06. Review status: criteria provided, single submitter. Criteria: Ambry Variant Classification Scheme 2023. Collection method: clinical testing. Allele origin: germline.